The following is an entry in ClinVar:

ClinVar aggregate classification (germline): Benign. Review status: criteria provided, single submitter (1 of 4 stars). 2 submissions from 2 submitters: Benign (1). 1 of the submissions does not count toward it. Last evaluated 2024-06-22.

Conditions:
TNS2-related disorder. Also called: TNS2-related condition.

Allele frequency attached by ClinVar (database versions not stated): TOPMed 0.00002; gnomAD 0.00005; gnomAD exomes 0.00013; ExAC 0.00042; 1000 Genomes Project 30x 0.00047; 1000 Genomes Project 0.00060.
gnomAD v4.1: 199 of 1,607,948 alleles (0.012%); highest among the groups gnomAD compares: South Asian, 0.2%; 3 homozygotes.

Submissions (2):

Labcorp Genetics (formerly Invitae), Labcorp
Classification: Benign. Last evaluated: 2024-06-22. Review status: criteria provided, single submitter. Criteria: Invitae Variant Classification Sherloc (09022015). Collection method: clinical testing. Allele origin: germline.

PreventionGenetics, part of Exact Sciences
Classification: Likely benign for TNS2-related condition. Last evaluated: 2024-02-08. Review status: no assertion criteria provided. Collection method: clinical testing. Allele origin: germline. Not counted in ClinVar's aggregate classification.
Comment: This variant is classified as likely benign based on ACMG/AMP sequence variant interpretation guidelines (Richards et al. 2015 PMID: 25741868, with internal and published modifications).

NM_170754.4(TNS2):c.184+7C>T

Genes: TNS2 (tensin 2; plus strand), TNS2-AS1 (TNS2 antisense RNA 1; minus strand). Cytogenetic location: 12q13.13.
Variant type: single nucleotide variant.
Coding change: c.184+7C>T on transcript NM_170754.4 (MANE Select); 7 bases into the intron after coding-DNA position 184, C replaced by T.
Molecular consequence: intron variant.
Genome position (GRCh38, 1-based): chr12:53,051,970, C>T. VCF-style: chr12-53051970-C-T. GRCh37 (hg19) VCF-style: chr12-53445754-C-T.
Other names: c.-189+7C>T (NM_198316.2); c.184+7C>T (NM_001416202.1, NM_001416204.1); c.115+7C>T (NM_001416203.1, NM_015319.3).
Identifiers: ClinVar variation 3051429 (VCV003051429.4), dbSNP rs531569772, ClinGen allele CA6591798.